The following is an entry in ClinVar:

NM_005006.7(NDUFS1):c.1913C>G (p.Thr638Ser)

Gene: NDUFS1 (NADH:ubiquinone oxidoreductase core subunit S1; minus strand). Cytogenetic location: 2q33.3.
Variant type: single nucleotide variant.
Coding change: c.1913C>G on transcript NM_005006.7 (MANE Select); coding-DNA position 1913, C replaced by G.
Protein change: p.Thr638Ser; replaces threonine 638 with serine.
Molecular consequence: missense variant.
Genome position (GRCh38, 1-based): chr2:206,126,816, G>C on the plus strand (C>G on the coding strand, the complement: NDUFS1 is on the minus strand). VCF-style: chr2-206126816-G-C. GRCh37 (hg19) VCF-style: chr2-206991540-G-C.
Other names: c.1805C>G, p.Thr602Ser (NM_001199981.2); c.1580C>G, p.Thr527Ser (NM_001199982.2); c.1742C>G, p.Thr581Ser (NM_001199983.2); c.1955C>G, p.Thr652Ser (NM_001199984.2); short protein forms T527S, T581S, T602S, T638S, T652S.
Identifiers: ClinVar variation 4860782 (VCV004860782.1).

ClinVar aggregate classification (germline): Uncertain significance (1 of 4 stars; one submission).

Conditions:
Inborn genetic diseases. Identifiers: MedGen C0950123, MeSH D030342.

gnomAD v4.1: 1 of 1,614,112 alleles (0.000062%); highest among the groups gnomAD compares: Non-Finnish European, 0.000085%; no homozygotes.

Submission:

Ambry Genetics
Classification: Uncertain significance for Inborn genetic diseases. Last evaluated: 2026-05-11. Review status: criteria provided, single submitter. Criteria: Ambry Variant Classification Scheme 2023. Collection method: clinical testing. Allele origin: germline.
Comment: The c.1913C>G (p.T638S) alteration is located in exon 17 (coding exon 16) of the NDUFS1 gene. This alteration results from a C to G substitution at nucleotide position 1913, causing the threonine (T) at amino acid position 638 to be replaced by a serine (S). Based on data from gnomAD, the G allele has an overall frequency of <0.001% (1/251298) total alleles studied. The highest observed frequency was 0.001% (1/113624) of European (non-Finnish) alleles. Based on insufficient or conflicting evidence, the clinical significance of this alteration remains unclear.